The following is an entry in ClinVar:

NM_000111.3(SLC26A3):c.2021T>A (p.Phe674Tyr)

Gene: SLC26A3 (solute carrier family 26 member 3; minus strand). Cytogenetic location: 7q22.3.
Variant type: single nucleotide variant.
Coding change: c.2021T>A on transcript NM_000111.3 (MANE Select); coding-DNA position 2021, T replaced by A.
Protein change: p.Phe674Tyr; replaces phenylalanine 674 with tyrosine.
Molecular consequence: missense variant.
Genome position (GRCh38, 1-based): chr7:107,772,095, A>T on the plus strand (T>A on the coding strand, the complement: SLC26A3 is on the minus strand). VCF-style: chr7-107772095-A-T. GRCh37 (hg19) VCF-style: chr7-107412540-A-T.
Other names: short protein forms F674Y.
Identifiers: ClinVar variation 2191624 (VCV002191624.2), dbSNP rs368047696, ClinGen allele CA4433625.

ClinVar aggregate classification (germline): Uncertain significance. Review status: criteria provided, multiple submitters, no conflicts (2 of 4 stars). 2 submissions from 2 submitters: Uncertain significance (2). Last evaluated 2025-11-19.

Conditions:
Inborn genetic diseases. Identifiers: MedGen C0950123, MeSH D030342.

Allele frequency attached by ClinVar (database versions not stated): gnomAD exomes 0.00001; gnomAD 0.00005; ExAC 0.00003; TOPMed 0.00006; ESP Exome Variant Server 0.00008.
gnomAD v4.1: 17 of 1,608,834 alleles (0.0011%); highest among the groups gnomAD compares: African/African-American, 0.023%; no homozygotes.

Submissions (2):

Ambry Genetics
Classification: Uncertain significance for Inborn genetic diseases. Last evaluated: 2025-11-19. Review status: criteria provided, single submitter. Criteria: Ambry Variant Classification Scheme 2023. Collection method: clinical testing. Allele origin: germline.

Labcorp Genetics (formerly Invitae), Labcorp
Classification: Uncertain significance. Last evaluated: 2022-10-06. Review status: criteria provided, single submitter. Criteria: Invitae Variant Classification Sherloc (09022015). Collection method: clinical testing. Allele origin: germline.
Comment: This sequence change replaces phenylalanine, which is neutral and non-polar, with tyrosine, which is neutral and polar, at codon 674 of the SLC26A3 protein (p.Phe674Tyr). This variant is present in population databases (rs368047696, gnomAD 0.04%). This variant has not been reported in the literature in individuals affected with SLC26A3-related conditions. Advanced modeling of protein sequence and biophysical properties (such as structural, functional, and spatial information, amino acid conservation, physicochemical variation, residue mobility, and thermodynamic stability) performed at Invitae indicates that this missense variant is not expected to disrupt SLC26A3 protein function. In summary, the available evidence is currently insufficient to determine the role of this variant in disease. Therefore, it has been classified as a Variant of Uncertain Significance.